The following is an entry in ClinVar:

ClinVar aggregate classification (germline): Likely benign. Review status: criteria provided, multiple submitters, no conflicts (2 of 4 stars). 3 submissions from 3 submitters: Likely benign (2). 1 of the submissions does not count toward it. Last evaluated 2025-12-01.

Conditions:
TNRC6B-related disorder. Also called: TNRC6B-related condition.

Allele frequency attached by ClinVar (database versions not stated): ESP Exome Variant Server 0.00016; gnomAD 0.00021; TOPMed 0.00024; gnomAD exomes 0.00026; ExAC 0.00055.
gnomAD v4.1: 402 of 1,595,106 alleles (0.025%); highest among the groups gnomAD compares: Middle Eastern, 0.18%; 2 homozygotes.

Submissions (3):

CeGaT Center for Human Genetics Tuebingen
Classification: Likely benign. Last evaluated: 2025-12-01. Review status: criteria provided, single submitter. Criteria: CeGaT Center For Human Genetics Tuebingen Variant Classification Criteria Version 2. Collection method: clinical testing. Allele origin: germline. Affected: yes. Observed: 8 variant alleles.
Comment: TNRC6B: BP4, BP7

Blueprint Genetics
Classification: Likely benign. Last evaluated: 2024-10-16. Review status: criteria provided, single submitter. Criteria: ACMG Guidelines, 2015. Collection method: clinical testing. Allele origin: germline.

PreventionGenetics, part of Exact Sciences
Classification: Likely benign for TNRC6B-related condition. Last evaluated: 2019-05-01. Review status: no assertion criteria provided. Collection method: clinical testing. Allele origin: germline. Not counted in ClinVar's aggregate classification.
Comment: This variant is classified as likely benign based on ACMG/AMP sequence variant interpretation guidelines (Richards et al. 2015 PMID: 25741868, with internal and published modifications).

NM_001162501.2(TNRC6B):c.336A>G (p.Pro112=)

Gene: TNRC6B (trinucleotide repeat containing adaptor 6B; plus strand). Cytogenetic location: 22q13.1.
Variant type: single nucleotide variant.
Coding change: c.336A>G on transcript NM_001162501.2 (MANE Select); coding-DNA position 336, A replaced by G.
Protein change: p.Pro112=; no amino-acid change (proline 112 retained).
Molecular consequence: synonymous variant.
Genome position (GRCh38, 1-based): chr22:40,262,052, A>G. VCF-style: chr22-40262052-A-G. GRCh37 (hg19) VCF-style: chr22-40658056-A-G.
Other names: c.336A>G (NM_001162501.1); c.444A>G, p.Pro148= (NM_001024843.2); c.336A>G, p.Pro112= (NM_015088.3).
Identifiers: ClinVar variation 2653168 (VCV002653168.26), dbSNP rs373838599, ClinGen allele CA10246487.